The following is an entry in ClinVar:

NM_006785.4(MALT1):c.1408T>C (p.Tyr470His)

Gene: MALT1 (MALT1 paracaspase; plus strand). Cytogenetic location: 18q21.32.
Variant type: single nucleotide variant.
Coding change: c.1408T>C on transcript NM_006785.4 (MANE Select); coding-DNA position 1408, T replaced by C.
Protein change: p.Tyr470His; replaces tyrosine 470 with histidine.
Molecular consequence: missense variant.
Genome position (GRCh38, 1-based): chr18:58,734,314, T>C. VCF-style: chr18-58734314-T-C. GRCh37 (hg19) VCF-style: chr18-56401546-T-C.
Other names: c.1375T>C, p.Tyr459His (NM_173844.3); short protein forms Y470H, Y459H.
Identifiers: ClinVar variation 2054496 (VCV002054496.4), dbSNP rs2511555022, ClinGen allele CA402574892.

ClinVar aggregate classification (germline): Uncertain significance (1 of 4 stars; one submission).

Conditions:
Combined immunodeficiency due to MALT1 deficiency. Also called: Immunodeficiency 12. Identifiers: Orphanet 397964, MedGen C3809583, MONDO:0014197, OMIM 615468.

Submission:

Labcorp Genetics (formerly Invitae), Labcorp
Classification: Uncertain significance for Combined immunodeficiency due to MALT1 deficiency. Last evaluated: 2024-11-18. Review status: criteria provided, single submitter. Criteria: Invitae Variant Classification Sherloc (09022015). Collection method: clinical testing. Allele origin: germline.
Comment: This sequence change replaces tyrosine, which is neutral and polar, with histidine, which is basic and polar, at codon 470 of the MALT1 protein (p.Tyr470His). This variant is not present in population databases (gnomAD no frequency). This variant has not been reported in the literature in individuals affected with MALT1-related conditions. ClinVar contains an entry for this variant (Variation ID: 2054496). Invitae Evidence Modeling of protein sequence and biophysical properties (such as structural, functional, and spatial information, amino acid conservation, physicochemical variation, residue mobility, and thermodynamic stability) indicates that this missense variant is not expected to disrupt MALT1 protein function with a negative predictive value of 80%. In summary, the available evidence is currently insufficient to determine the role of this variant in disease. Therefore, it has been classified as a Variant of Uncertain Significance.